The following is an entry in ClinVar:

ClinVar aggregate classification (germline): Uncertain significance (1 of 4 stars; one submission).

Submission:

GeneDx
Classification: Uncertain significance. Last evaluated: 2026-03-09. Review status: criteria provided, single submitter. Criteria: GeneDx Variant Classification Process June 2021. Collection method: clinical testing. Allele origin: germline.
Comment: Not observed at significant frequency in large population cohorts (gnomAD); In silico analysis suggests that this missense variant does not alter protein structure/function; Has not been previously published as pathogenic or benign to our knowledge

NM_015559.3(SETBP1):c.4505A>G (p.Gln1502Arg)

Gene: SETBP1 (SET binding protein 1; plus strand). Cytogenetic location: 18q12.3.
Variant type: single nucleotide variant.
Coding change: c.4505A>G on transcript NM_015559.3 (MANE Select); coding-DNA position 4505, A replaced by G.
Protein change: p.Gln1502Arg; replaces glutamine 1502 with arginine.
Molecular consequence: missense variant.
Genome position (GRCh38, 1-based): chr18:45,063,412, A>G. VCF-style: chr18-45063412-A-G. GRCh37 (hg19) VCF-style: chr18-42643377-A-G.
Other names: c.4505A>G, p.Gln1502Arg (NM_001379141.1, NM_001379142.1); c.4334A>G, p.Gln1445Arg (NM_001410862.1); short protein forms Q1502R, Q1445R.
Identifiers: ClinVar variation 5008001 (VCV005008001.1).
Genomic context (GRCh38, chr18:45,063,412, plus strand): 5'-CCAGCAAAAGAGGCCAGAAGCCCAGCCTGAGCCCGCTGGTGCTGGAGCCCGCCGCCAGCC[A>G]AGACACCATCATGGCCACCATCGAGGCGGTCATCCACATGGCCCGGGAGGCGCCGCCCCT-3'
Protein context (NP_056374.2, residues 1492-1512): SPLVLEPAAS[Gln1502Arg]DTIMATIEAV